The following is an entry in ClinVar:

ClinVar aggregate classification (germline): Uncertain significance (1 of 4 stars; one submission).

gnomAD v4.1: 1 of 1,611,644 alleles (0.000062%); highest among the groups gnomAD compares: South Asian, 0.0011%; no homozygotes.

Submission:

Labcorp Genetics (formerly Invitae), Labcorp
Classification: Uncertain significance. Last evaluated: 2024-08-05. Review status: criteria provided, single submitter. Criteria: Invitae Variant Classification Sherloc (09022015). Collection method: clinical testing. Allele origin: germline.
Comment: This sequence change replaces isoleucine, which is neutral and non-polar, with valine, which is neutral and non-polar, at codon 1480 of the SI protein (p.Ile1480Val). This variant is present in population databases (rs553647096, gnomAD 0.003%). This variant has not been reported in the literature in individuals affected with SI-related conditions. Advanced modeling of protein sequence and biophysical properties (such as structural, functional, and spatial information, amino acid conservation, physicochemical variation, residue mobility, and thermodynamic stability) has been performed at Invitae for this missense variant, however the output from this modeling did not meet the statistical confidence thresholds required to predict the impact of this variant on SI protein function. In summary, the available evidence is currently insufficient to determine the role of this variant in disease. Therefore, it has been classified as a Variant of Uncertain Significance.

NM_001041.4(SI):c.4438A>G (p.Ile1480Val)

Gene: SI (sucrase-isomaltase; minus strand). Cytogenetic location: 3q26.1.
Variant type: single nucleotide variant.
Coding change: c.4438A>G on transcript NM_001041.4 (MANE Select); coding-DNA position 4438, A replaced by G.
Protein change: p.Ile1480Val; replaces isoleucine 1480 with valine.
Molecular consequence: missense variant.
Genome position (GRCh38, 1-based): chr3:164,998,642, T>C on the plus strand (A>G on the coding strand, the complement: SI is on the minus strand). VCF-style: chr3-164998642-T-C. GRCh37 (hg19) VCF-style: chr3-164716430-T-C.
Other names: short protein forms I1480V.
Identifiers: ClinVar variation 3676583 (VCV003676583.2).